The following is an entry in ClinVar:

NM_004380.3(CREBBP):c.2064_2077del (p.Gly689fs)

Gene: CREBBP (CREB binding lysine acetyltransferase; minus strand). Cytogenetic location: 16p13.3.
Variant type: Deletion.
Coding change: c.2064_2077del on transcript NM_004380.3 (MANE Select); coding-DNA positions 2064 to 2077, 14 bases deleted (GGGGGCTCAGCCCC).
Protein change: p.Gly689fs; shifts the reading frame from glycine 689.
Molecular consequence: frameshift variant.
Genome position (GRCh38, 1-based): chr16:3,778,047-3,778,060, GGGGCTGAGCCCCC deleted on the plus strand (GGGGGCTCAGCCCC on the coding strand, the reverse complement: CREBBP is on the minus strand); deleting any 14 consecutive bases within chr16:3,778,047-3,778,067 gives the same sequence; the c. name uses the placement nearest the transcript's 3' end. VCF-style (leftmost placement, unchanged base first): chr16-3778046-GGGGGCTGAGCCCCC-G. GRCh37 (hg19) VCF-style: chr16-3828047-GGGGGCTGAGCCCCC-G.
Other names: c.1950_1963del, p.Gly651fs (NM_001079846.1); short protein forms G651fs, G689fs.
Identifiers: ClinVar variation 4292395 (VCV004292395.1).
Genomic context (GRCh38, chr16:3,778,046, plus strand): 5'-TGGCAGTAGGAAATAAAATCCTTACTTGGAGGTCTCACAGGTTGTGCCTGTGGAATCACA[GGGGGCTGAGCCCCC>G]GGGGCTGGTAAGGCTGGCTGGTTCCCCAAGATGCCTTGTTTATGTAAACGCGACCTCCGT-3'

ClinVar aggregate classification (germline): Pathogenic (1 of 4 stars; one submission).

Conditions:
CREBBP-related disorder. Also called: CREBBP-related condition; CREBBP-related disorders.

Submission:

3billion
Classification: Pathogenic for CREBBP-related disorder. Last evaluated: 2025-01-18. Review status: criteria provided, single submitter. Criteria: ACMG Guidelines, 2015. Collection method: clinical testing. Allele origin: germline. Affected: yes.
Comment: The variant is not observed in the gnomAD v4.1.0 dataset. Predicted Consequence/Location: Frameshift: predicted to result in a loss or disruption of normal protein function through nonsense-mediated decay (NMD) or protein truncation. Multiple pathogenic variants are reported downstream of the variant. The variant has been reported to be associated with CREBBP-related disorder (PMID: 26275701). Therefore, this variant is classified as Pathogenic according to the recommendation of ACMG/AMP guideline.

Literature cited by the submitters: PubMed 26275701.